The following is an entry in ClinVar:

NM_000051.4(ATM):c.949G>C (p.Asp317His)

Gene: ATM (ATM serine/threonine kinase; plus strand). Cytogenetic location: 11q22.3.
Variant type: single nucleotide variant.
Coding change: c.949G>C on transcript NM_000051.4 (MANE Select); coding-DNA position 949, G replaced by C.
Protein change: p.Asp317His; replaces aspartic acid 317 with histidine.
Molecular consequence: missense variant.
Genome position (GRCh38, 1-based): chr11:108,247,011, G>C. VCF-style: chr11-108247011-G-C. GRCh37 (hg19) VCF-style: chr11-108117738-G-C.
Other names: c.949G>C, p.Asp317His (NM_001351834.2); short protein forms D317H.
Identifiers: ClinVar variation 2771971 (VCV002771971.3), dbSNP rs1445292591, ClinGen allele CA382530851.

ClinVar aggregate classification (germline): Uncertain significance (1 of 4 stars; one submission).

Conditions:
Ataxia-telangiectasia syndrome (AT). Also called: Ataxia-telangiectasia, complementation group D; LOUIS-BAR SYNDROME; ATAXIA-TELANGIECTASIA, COMPLEMENTATION GROUP A; ATAXIA-TELANGIECTASIA, FRESNO VARIANT; Ataxia telangiectasia (A-T); Cerebello-oculocutaneous telangiectasia. Identifiers: Orphanet 100, MedGen C0004135, MONDO:0008840, OMIM 208900.

Submission:

Labcorp Genetics (formerly Invitae), Labcorp
Classification: Uncertain significance for Ataxia-telangiectasia syndrome. Last evaluated: 2024-04-10. Review status: criteria provided, single submitter. Criteria: Invitae Variant Classification Sherloc (09022015). Collection method: clinical testing. Allele origin: germline.
Comment: This sequence change replaces aspartic acid, which is acidic and polar, with histidine, which is basic and polar, at codon 317 of the ATM protein (p.Asp317His). This variant is not present in population databases (gnomAD no frequency). This variant has not been reported in the literature in individuals affected with ATM-related conditions. An algorithm developed to predict the effect of missense changes on protein structure and function (PolyPhen-2) suggests that this variant is likely to be disruptive. In summary, the available evidence is currently insufficient to determine the role of this variant in disease. Therefore, it has been classified as a Variant of Uncertain Significance.